The following is an entry in ClinVar:

NM_032228.6(FAR1):c.577A>T (p.Thr193Ser)

Gene: FAR1 (fatty acyl-CoA reductase 1; plus strand). Cytogenetic location: 11p15.3.
Variant type: single nucleotide variant.
Coding change: c.577A>T on transcript NM_032228.6 (MANE Select); coding-DNA position 577, A replaced by T.
Protein change: p.Thr193Ser; replaces threonine 193 with serine.
Molecular consequence: missense variant.
Genome position (GRCh38, 1-based): chr11:13,710,724, A>T. VCF-style: chr11-13710724-A-T. GRCh37 (hg19) VCF-style: chr11-13732271-A-T.
Other names: short protein forms T193S.
Identifiers: ClinVar variation 1373091 (VCV001373091.6), dbSNP rs2134191553, ClinGen allele CA379857216.
Genomic context (GRCh38, chr11:13,710,724, plus strand): 5'-AATATATTTGTATGCAATTTCTTTACCAGGTGGATGGATGATGGCCTAGTAAATGATATC[A>T]CGCCAAAATTGATAGGAGACAGACCTAATACATACATATACACAAAAGCATTGGCAGAAT-3'
Protein context (NP_115604.1, residues 183-203): WMDDGLVNDI[Thr193Ser]PKLIGDRPNT

ClinVar aggregate classification (germline): Uncertain significance (1 of 4 stars; one submission).

Submission:

Labcorp Genetics (formerly Invitae), Labcorp
Classification: Uncertain significance. Last evaluated: 2021-08-07. Review status: criteria provided, single submitter. Criteria: Invitae Variant Classification Sherloc (09022015). Collection method: clinical testing. Allele origin: germline.
Comment: In summary, the available evidence is currently insufficient to determine the role of this variant in disease. Therefore, it has been classified as a Variant of Uncertain Significance. Algorithms developed to predict the effect of missense changes on protein structure and function are either unavailable or do not agree on the potential impact of this missense change (SIFT: "Deleterious"; PolyPhen-2: "Benign"; Align-GVGD: "Class C0"). This variant has not been reported in the literature in individuals affected with FAR1-related conditions. This variant is not present in population databases (ExAC no frequency). This sequence change replaces threonine with serine at codon 193 of the FAR1 protein (p.Thr193Ser). The threonine residue is highly conserved and there is a small physicochemical difference between threonine and serine.